The following is an entry in ClinVar:

ClinVar aggregate classification (germline): Uncertain significance (1 of 4 stars; one submission).

Conditions:
Hereditary cancer-predisposing syndrome. Also called: Hereditary neoplastic syndrome; Hereditary Cancer Syndrome; Neoplastic Syndromes, Hereditary; Tumor predisposition. Identifiers: Orphanet 140162, MedGen C0027672, MeSH D009386, MONDO:0015356.

Submission:

Ambry Genetics
Classification: Uncertain significance for Hereditary cancer-predisposing syndrome. Last evaluated: 2023-05-10. Review status: criteria provided, single submitter. Criteria: Ambry Variant Classification Scheme 2023. Collection method: clinical testing. Allele origin: germline.
Comment: The c.959+2_959+3insALU variant results from the insertion of an ALU element between nucleotides c.959+2 and c.959+3 in intron 3 of the BLM gene. Mobile element insertions contribute to pathogenicity by either disrupting the coding sequence or inducing aberrant splicing (Belancio VP et al. Semin. Cancer Biol. 2010 Aug;20:200-10; Deininger P et al. Genome Biol. 2011 Dec;12:236; van der Klift HM Hum Mutat. 2012 Jul;33(7):1051-5); however, direct evidence for this alteration is insufficient at this time (Ambry internal data). Since supporting evidence is limited at this time, the clinical significance of this alteration remains unclear.

NM_000057.2:c.959+2_959+3insALU

Gene: BLM (BLM RecQ like helicase; plus strand).
Variant type: Insertion.
Identifiers: ClinVar variation 2566824 (VCV002566824.2).